The following is an entry in ClinVar:

NM_001379110.1(SLC9A6):c.1718C>G (p.Ala573Gly)

Gene: SLC9A6 (solute carrier family 9 member A6; plus strand). Cytogenetic location: Xq26.3.
Variant type: single nucleotide variant.
Coding change: c.1718C>G on transcript NM_001379110.1 (MANE Select); coding-DNA position 1718, C replaced by G.
Protein change: p.Ala573Gly; replaces alanine 573 with glycine.
Molecular consequence: missense variant.
Genome position (GRCh38, 1-based): chrX:136,040,132, C>G. VCF-style: chrX-136040132-C-G. GRCh37 (hg19) VCF-style: chrX-135122291-C-G.
Other names: c.1784C>G, p.Ala595Gly (NM_001042537.2); c.1628C>G, p.Ala543Gly (NM_001177651.2, NM_001400909.1, NM_001400910.1 and 2 more transcripts); c.1532C>G, p.Ala511Gly (NM_001330652.2, NM_001400913.1); c.1688C>G, p.Ala563Gly (NM_006359.3); short protein forms A543G, A563G, A595G, A511G, A573G.
Identifiers: ClinVar variation 2129374 (VCV002129374.4), dbSNP rs2521460206, ClinGen allele CA414756120.
Genomic context (GRCh38, chrX:136,040,132, plus strand): 5'-GCAGCTATCTGAAGCCTCTGCTGACCCACAGCGGGCCTCCGCTGACAACAACACTCCCTG[C>G]CTGCTGTGGACCCATCGCCAGGTGCCTCACCAGCCCCCAGGCTTACGAAGTAAGTTGGTT-3'
Protein context (NP_001366039.1, residues 563-583): SGPPLTTTLP[Ala573Gly]CCGPIARCLT

ClinVar aggregate classification (germline): Uncertain significance (1 of 4 stars; one submission).

Conditions:
Christianson syndrome (MRXSCH). Also called: X-linked mental retardation, syndromic, Christianson type; SLC9A6-Related Syndromic Mental Retardation; INTELLECTUAL DEVELOPMENTAL DISORDER, X-LINKED, SYNDROMIC, CHRISTIANSON TYPE. Identifiers: Orphanet 85278, MedGen C2678194, MONDO:0010278, OMIM 300243.

Submission:

Labcorp Genetics (formerly Invitae), Labcorp
Classification: Uncertain significance for Christianson syndrome. Last evaluated: 2022-04-22. Review status: criteria provided, single submitter. Criteria: Invitae Variant Classification Sherloc (09022015). Collection method: clinical testing. Allele origin: germline.
Comment: This variant is not present in population databases (gnomAD no frequency). In summary, the available evidence is currently insufficient to determine the role of this variant in disease. Therefore, it has been classified as a Variant of Uncertain Significance. Algorithms developed to predict the effect of missense changes on protein structure and function (SIFT, PolyPhen-2, Align-GVGD) all suggest that this variant is likely to be tolerated. This variant has not been reported in the literature in individuals affected with SLC9A6-related conditions. This sequence change replaces alanine, which is neutral and non-polar, with glycine, which is neutral and non-polar, at codon 563 of the SLC9A6 protein (p.Ala563Gly).